The following is an entry in ClinVar:

NM_002485.5(NBN):c.585-5T>C

Gene: NBN (nibrin; minus strand). Cytogenetic location: 8q21.3.
Variant type: single nucleotide variant.
Coding change: c.585-5T>C on transcript NM_002485.5 (MANE Select); 5 bases into the intron before coding-DNA position 585, T replaced by C.
Molecular consequence: intron variant.
Genome position (GRCh38, 1-based): chr8:89,971,295, A>G on the plus strand (T>C on the coding strand, the complement: NBN is on the minus strand). VCF-style: chr8-89971295-A-G. GRCh37 (hg19) VCF-style: chr8-90983523-A-G.
Other names: c.339-5T>C (NM_001024688.3).
Identifiers: ClinVar variation 1161395 (VCV001161395.15), dbSNP rs1586088968, ClinGen allele CA1116461963.

ClinVar aggregate classification (germline): Conflicting classifications of pathogenicity. Review status: criteria provided, conflicting classifications (1 of 4 stars). 3 submissions from 3 submitters: Uncertain significance (1); Likely benign (2). Last evaluated 2024-10-21.

Conditions:
Microcephaly, normal intelligence and immunodeficiency (NBS). Also called: BERLIN BREAKAGE SYNDROME; Immunodeficiency, microcephaly with normal intelligence; Ataxia telangiectasia variant V1; Microcephaly with normal intelligence immunodeficiency and lymphoreticular malignancies; Nonsyndromal microcephaly autosomal recessive with normal intelligence; Seemanova syndrome 2. Identifiers: Orphanet 647, MedGen C0398791, MONDO:0009623, OMIM 251260.
Hereditary cancer-predisposing syndrome. Also called: Neoplastic Syndromes, Hereditary; Hereditary Cancer Syndrome; Hereditary neoplastic syndrome; Tumor predisposition. Identifiers: Orphanet 140162, MedGen C0027672, MeSH D009386, MONDO:0015356.

Allele frequency attached by ClinVar (database versions not stated): gnomAD 0.00001.
gnomAD v4.1: 1 of 1,606,012 alleles (0.000062%); highest among the groups gnomAD compares: Non-Finnish European, 0.000085%; no homozygotes.

Submissions (3):

Labcorp Genetics (formerly Invitae), Labcorp
Classification: Likely benign for Microcephaly, normal intelligence and immunodeficiency. Last evaluated: 2024-10-21. Review status: criteria provided, single submitter. Criteria: Invitae Variant Classification Sherloc (09022015). Collection method: clinical testing. Allele origin: germline.

Ambry Genetics
Classification: Uncertain significance for Hereditary cancer-predisposing syndrome. Last evaluated: 2022-03-04. Review status: criteria provided, single submitter. Criteria: Ambry Variant Classification Scheme 2023. Collection method: clinical testing. Allele origin: germline.
Comment: The c.585-5T>C intronic variant results from a T to C substitution 5 nucleotides upstream from coding exon 6 in the NBN gene. This nucleotide position is well conserved in available vertebrate species. In silico splice site analysis predicts that this alteration will not have any significant effect on splicing. Since supporting evidence is limited at this time, the clinical significance of this alteration remains unclear.

Genome-Nilou Lab
Classification: Likely benign for Microcephaly, normal intelligence and immunodeficiency. Last evaluated: 2021-11-07. Review status: criteria provided, single submitter. Criteria: ACMG Guidelines, 2015. Collection method: clinical testing. Allele origin: germline. Affected: no.